The following is an entry in ClinVar:

ClinVar aggregate classification (germline): Uncertain significance. Review status: criteria provided, multiple submitters, no conflicts (2 of 4 stars). 3 submissions from 3 submitters: Uncertain significance (3). Last evaluated 2025-11-05.

Conditions:
DICER1-related tumor predisposition. Also called: DICER1-related pleuropulmonary blastoma cancer predisposition syndrome; DICER1 syndrome. Identifiers: Orphanet 284343, MedGen C3839822, MONDO:0100216.
Hereditary cancer-predisposing syndrome. Also called: Hereditary Cancer Syndrome; Neoplastic Syndromes, Hereditary; Tumor predisposition; Hereditary neoplastic syndrome. Identifiers: Orphanet 140162, MedGen C0027672, MeSH D009386, MONDO:0015356.

gnomAD v4.1: 1 of 1,614,000 alleles (0.000062%); highest among the groups gnomAD compares: East Asian, 0.0022%; no homozygotes.

Submissions (3):

Labcorp Genetics (formerly Invitae), Labcorp
Classification: Uncertain significance for DICER1-related tumor predisposition. Last evaluated: 2025-11-05. Review status: criteria provided, single submitter. Criteria: Invitae Variant Classification Sherloc (09022015). Collection method: clinical testing. Allele origin: germline.
Comment: This sequence change replaces aspartic acid, which is acidic and polar, with glutamic acid, which is acidic and polar, at codon 871 of the DICER1 protein (p.Asp871Glu). This variant is present in population databases (rs759827733, gnomAD 0.02%). This variant has not been reported in the literature in individuals affected with DICER1-related conditions. ClinVar contains an entry for this variant (Variation ID: 639731). Invitae Evidence Modeling of protein sequence and biophysical properties (such as structural, functional, and spatial information, amino acid conservation, physicochemical variation, residue mobility, and thermodynamic stability) indicates that this missense variant is not expected to disrupt DICER1 protein function with a negative predictive value of 95%. In summary, the available evidence is currently insufficient to determine the role of this variant in disease. Therefore, it has been classified as a Variant of Uncertain Significance.

Ambry Genetics
Classification: Uncertain significance for Hereditary cancer-predisposing syndrome. Last evaluated: 2025-02-03. Review status: criteria provided, single submitter. Criteria: Ambry Variant Classification Scheme 2023. Collection method: clinical testing. Allele origin: germline.
Comment: The p.D871E variant (also known as c.2613C>G), located in coding exon 15 of the DICER1 gene, results from a C to G substitution at nucleotide position 2613. The aspartic acid at codon 871 is replaced by glutamic acid, an amino acid with highly similar properties. This amino acid position is not well conserved in available vertebrate species. In addition, this alteration is predicted to be tolerated by in silico analysis. Since supporting evidence is limited at this time, the clinical significance of this alteration remains unclear.

GeneDx
Classification: Uncertain significance. Last evaluated: 2023-10-31. Review status: criteria provided, single submitter. Criteria: GeneDx Variant Classification Process June 2021. Collection method: clinical testing. Allele origin: germline. Affected: yes.
Comment: Not observed at significant frequency in large population cohorts (gnomAD); In silico analysis supports that this missense variant does not alter protein structure/function; Has not been previously published as pathogenic or benign to our knowledge

NM_177438.3(DICER1):c.2613C>G (p.Asp871Glu)

Gene: DICER1 (dicer 1, ribonuclease III; minus strand). Cytogenetic location: 14q32.13.
Variant type: single nucleotide variant.
Coding change: c.2613C>G on transcript NM_177438.3 (MANE Select); coding-DNA position 2613, C replaced by G.
Protein change: p.Asp871Glu; replaces aspartic acid 871 with glutamic acid.
Molecular consequence: missense variant.
Genome position (GRCh38, 1-based): chr14:95,107,917, G>C on the plus strand (C>G on the coding strand, the complement: DICER1 is on the minus strand). VCF-style: chr14-95107917-G-C. GRCh37 (hg19) VCF-style: chr14-95574254-G-C.
Other names: c.2613C>G, p.Asp871Glu (NM_001195573.1, NM_001271282.3, NM_001291628.2 and 1 more transcripts); short protein forms D871E.
Identifiers: ClinVar variation 639731 (VCV000639731.18), dbSNP rs759827733, ClinGen allele CA7331219.
Genomic context (GRCh38, chr14:95,107,917, plus strand): 5'-AAAGTAAGAGATTTTTTTCTTACCAACATTAAGAGGTAGAACACAGTATGCTGAATCAGC[G>C]TCTGTAGGTTTAAATTCTAGTGCAGGTTTTTCAAGCCGAAGAATATGTGAGAATATATAC-3'
Protein context (NP_803187.1, residues 861-881): EKPALEFKPT[Asp871Glu]ADSAYCVLPL